The following is an entry in ClinVar:

ClinVar aggregate classification (germline): Conflicting classifications of pathogenicity. Review status: criteria provided, conflicting classifications (1 of 4 stars). 3 submissions from 3 submitters: Pathogenic (1); Likely pathogenic (1); Uncertain significance (1). Last evaluated 2025-12-26.

Conditions:
Retinitis pigmentosa 71 (RP71). Identifiers: Orphanet 791, MedGen C4225342, MONDO:0014618, OMIM 616394.
Short-rib thoracic dysplasia 10 with or without polydactyly (SRTD10). Identifiers: Orphanet 474, MedGen C3810175, MONDO:0014284, OMIM 615630.
IFT172-related disorder. Also called: IFT172-related condition; IFT172-related disorders.

Submissions (3):

Labcorp Genetics (formerly Invitae), Labcorp
Classification: Likely pathogenic for Retinitis pigmentosa 71; Short-rib thoracic dysplasia 10 with or without polydactyly. Last evaluated: 2025-12-26. Review status: criteria provided, single submitter. Criteria: Invitae Variant Classification Sherloc (09022015). Collection method: clinical testing. Allele origin: germline.
Comment: This sequence change affects a splice site in intron 15 of the IFT172 gene. It is expected to disrupt RNA splicing. Variants that disrupt the donor or acceptor splice site typically lead to a loss of protein function (PMID: 16199547), and loss-of-function variants in IFT172 are known to be pathogenic (PMID: 24140113). This variant is present in population databases (rs769575051, gnomAD 0.002%). This variant has not been reported in the literature in individuals affected with IFT172-related conditions. Algorithms developed to predict the effect of sequence changes on RNA splicing suggest that this variant may disrupt the consensus splice site. In summary, the currently available evidence indicates that the variant is pathogenic, but additional data are needed to prove that conclusively. Therefore, this variant has been classified as Likely Pathogenic.

PreventionGenetics, part of Exact Sciences
Classification: Pathogenic for IFT172-related condition. Last evaluated: 2025-05-07. Review status: criteria provided, single submitter. Criteria: ACMG Guidelines, 2015. Collection method: clinical testing. Allele origin: germline.
Comment: The IFT172 c.1524+2_1524+3delTG variant is predicted to result in a deletion affecting a canonical splice site. To our knowledge, this variant has not been reported in the literature. This variant is reported in 0.0018% of alleles in individuals of European (Non-Finnish) descent in gnomAD. Variants that disrupt consensus GT donor sites in IFT172 are expected to be pathogenic. This variant is interpreted as pathogenic.

Baylor Genetics
Classification: Uncertain significance for Short-rib thoracic dysplasia 10 with or without polydactyly. Last evaluated: 2019-08-16. Review status: criteria provided, single submitter. Criteria: ACMG Guidelines, 2015. Collection method: clinical testing. Allele origin: paternal. Affected: yes.
Comment: This variant was determined to be of uncertain significance according to ACMG Guidelines, 2015 [PMID:25741868].

Literature cited by the submitters: PubMed 16199547 (cited by Labcorp Genetics (formerly Invitae), Labcorp); PubMed 24140113 (cited by Labcorp Genetics (formerly Invitae), Labcorp).

NM_015662.3(IFT172):c.1524+2_1524+3del

Gene: IFT172 (intraflagellar transport 172; minus strand). Cytogenetic location: 2p23.3.
Variant type: Microsatellite.
Coding change: c.1524+2_1524+3del on transcript NM_015662.3 (MANE Select); the canonical splice donor site of the intron after coding-DNA position 1524 through 3 bases into the intron after coding-DNA position 1524, 2 bases deleted (TG; older notation c.1524+2_1524+3delTG).
Molecular consequence: splice donor variant.
Genome position (GRCh38, 1-based): chr2:27,472,247-27,472,248, CA deleted on the plus strand (TG on the coding strand, the reverse complement: IFT172 is on the minus strand); deleting any 2 consecutive bases within chr2:27,472,247-27,472,251 gives the same sequence; the c. name uses the placement nearest the transcript's 3' end. VCF-style (leftmost placement, unchanged base first): chr2-27472246-TCA-T. GRCh37 (hg19) VCF-style: chr2-27695113-TCA-T.
Other names: c.1524+2_1524+3delTG (NM_015662.2).
Identifiers: ClinVar variation 1027993 (VCV001027993.6), dbSNP rs769575051, ClinGen allele CA1580625.